The following is an entry in ClinVar:

NM_024876.4(COQ8B):c.139C>G (p.Gln47Glu)

Gene: COQ8B (coenzyme Q8B; minus strand). Cytogenetic location: 19q13.2.
Variant type: single nucleotide variant.
Coding change: c.139C>G on transcript NM_024876.4 (MANE Select); coding-DNA position 139, C replaced by G.
Protein change: p.Gln47Glu; replaces glutamine 47 with glutamic acid.
Molecular consequence: missense variant.
Genome position (GRCh38, 1-based): chr19:40,714,361, G>C on the plus strand (C>G on the coding strand, the complement: COQ8B is on the minus strand). VCF-style: chr19-40714361-G-C. GRCh37 (hg19) VCF-style: chr19-41220266-G-C.
Other names: c.139C>G, p.Gln47Glu (NM_001142555.3); short protein forms Q47E.
Identifiers: ClinVar variation 1501051 (VCV001501051.8), dbSNP rs1181649872, ClinGen allele CA405968386.
Genomic context (GRCh38, chr19:40,714,361, plus strand): 5'-GACGGGCCTCCCGTGCCCTGCGAATGTCCTCCTCACCCAGGCCTCTCCCAGGCCCATCCT[G>C]GTAAAACTTTTGGGCCCAAGAACCTCCACATGGTCCCTGCAAGAGATATACTTTGATAAG-3'
Protein context (NP_079152.3, residues 37-57): CGGSWAQKFY[Gln47Glu]DGPGRGLGEE

ClinVar aggregate classification (germline): Uncertain significance (1 of 4 stars; one submission).

Allele frequency attached by ClinVar (database versions not stated): gnomAD exomes below 0.00001.
gnomAD v4.1: 1 of 1,614,098 alleles (0.000062%); highest among the groups gnomAD compares: Admixed American, 0.0017%; no homozygotes.

Submission:

Labcorp Genetics (formerly Invitae), Labcorp
Classification: Uncertain significance. Last evaluated: 2024-11-11. Review status: criteria provided, single submitter. Criteria: Invitae Variant Classification Sherloc (09022015). Collection method: clinical testing. Allele origin: germline.
Comment: This sequence change replaces glutamine, which is neutral and polar, with glutamic acid, which is acidic and polar, at codon 47 of the COQ8B protein (p.Gln47Glu). This variant is present in population databases (no rsID available, gnomAD 0.003%). This variant has not been reported in the literature in individuals affected with COQ8B-related conditions. ClinVar contains an entry for this variant (Variation ID: 1501051). Invitae Evidence Modeling of protein sequence and biophysical properties (such as structural, functional, and spatial information, amino acid conservation, physicochemical variation, residue mobility, and thermodynamic stability) indicates that this missense variant is not expected to disrupt COQ8B protein function with a negative predictive value of 95%. In summary, the available evidence is currently insufficient to determine the role of this variant in disease. Therefore, it has been classified as a Variant of Uncertain Significance.